The following is an entry in ClinVar:

NM_001042545.2(LTBP4):c.1684+254C>T

Genes: LTBP4 (latent transforming growth factor beta binding protein 4; plus strand), LOC130064476 (ATAC-STARR-seq lymphoblastoid silent region 10640; plus strand). Cytogenetic location: 19q13.2.
Variant type: single nucleotide variant.
Coding change: c.1684+254C>T on transcript NM_001042545.2 (MANE Select); 254 bases into the intron after coding-DNA position 1684, C replaced by T.
Molecular consequence: intron variant.
Genome position (GRCh38, 1-based): chr19:40,610,125, C>T. VCF-style: chr19-40610125-C-T. GRCh37 (hg19) VCF-style: chr19-41116031-C-T.
Other names: c.1774+254C>T (NM_003573.2); c.1885+254C>T (NM_001042544.1).
Identifiers: ClinVar variation 683624 (VCV000683624.2), dbSNP rs79488425, ClinGen allele CA308451003.

ClinVar aggregate classification (germline): Benign. Review status: criteria provided, multiple submitters, no conflicts (2 of 4 stars). 2 submissions from 2 submitters: Benign (2). Last evaluated 2018-06-14.

Allele frequency attached by ClinVar (database versions not stated): gnomAD exomes 0.00838; gnomAD 0.05617 and 0.06026; 1000 Genomes Project 0.06170; TOPMed 0.06434; 1000 Genomes Project 30x 0.06512.

Submissions (2):

GeneDx
Classification: Benign. Last evaluated: 2018-06-14. Review status: criteria provided, single submitter. Criteria: GeneDx Variant Classification (06012015). Collection method: clinical testing. Allele origin: germline. Affected: yes.
Comment: This variant is considered likely benign or benign based on one or more of the following criteria: it is a conservative change, it occurs at a poorly conserved position in the protein, it is predicted to be benign by multiple in silico algorithms, and/or has population frequency not consistent with disease.

Breakthrough Genomics
Classification: Benign. Review status: criteria provided, single submitter. Criteria: ACMG Guidelines, 2015. Collection method: not provided. Allele origin: germline. Inheritance: Autosomal recessive inheritance. Affected: yes.